The following is an entry in ClinVar:

NM_002691.4(POLD1):c.2710G>A (p.Ala904Thr)

Gene: POLD1 (DNA polymerase delta 1, catalytic subunit; plus strand). Cytogenetic location: 19q13.33.
Variant type: single nucleotide variant.
Coding change: c.2710G>A on transcript NM_002691.4 (MANE Select); coding-DNA position 2710, G replaced by A.
Protein change: p.Ala904Thr; replaces alanine 904 with threonine.
Molecular consequence: missense variant. On other transcripts: non-coding transcript variant (1).
Genome position (GRCh38, 1-based): chr19:50,415,583, G>A. VCF-style: chr19-50415583-G-A. GRCh37 (hg19) VCF-style: chr19-50918840-G-A.
Other names: c.2710G>A (NM_002691.2); c.2710G>A, p.Ala904Thr (NM_001256849.1); c.2788G>A, p.Ala930Thr (NM_001308632.1); short protein forms A904T, A930T.
Identifiers: ClinVar variation 1364051 (VCV001364051.9), dbSNP rs1469483693, ClinGen allele CA406985725.

ClinVar aggregate classification (germline): Uncertain significance. Review status: criteria provided, multiple submitters, no conflicts (2 of 4 stars). 2 submissions from 2 submitters: Uncertain significance (2). Last evaluated 2025-04-18.

Conditions:
POLD1-related polyposis and colorectal cancer syndrome (CRCS10). Also called: Colorectal cancer, susceptibility to, 10; Colorectal cancer 10; COLORECTAL CANCER, SUSCEPTIBILITY TO, ON CHROMOSOME 19q. Identifiers: Orphanet 220460, MedGen C2675481, MONDO:0012953, OMIM 612591.
Hereditary cancer-predisposing syndrome. Also called: Tumor predisposition; Hereditary Cancer Syndrome; Hereditary neoplastic syndrome; Neoplastic Syndromes, Hereditary. Identifiers: Orphanet 140162, MedGen C0027672, MeSH D009386, MONDO:0015356.

Submissions (2):

Ambry Genetics
Classification: Uncertain significance for Hereditary cancer-predisposing syndrome. Last evaluated: 2025-04-18. Review status: criteria provided, single submitter. Criteria: Ambry Variant Classification Scheme 2023. Collection method: clinical testing. Allele origin: germline.
Comment: The p.A904T variant (also known as c.2710G>A), located in coding exon 20 of the POLD1 gene, results from a G to A substitution at nucleotide position 2710. The alanine at codon 904 is replaced by threonine, an amino acid with similar properties. This amino acid position is conserved. In addition, this alteration is predicted to be tolerated by in silico analysis. Based on the available evidence, the clinical significance of this variant remains unclear.

Labcorp Genetics (formerly Invitae), Labcorp
Classification: Uncertain significance for POLD1-related polyposis and colorectal cancer syndrome. Last evaluated: 2024-12-02. Review status: criteria provided, single submitter. Criteria: Invitae Variant Classification Sherloc (09022015). Collection method: clinical testing. Allele origin: germline.
Comment: This sequence change replaces alanine, which is neutral and non-polar, with threonine, which is neutral and polar, at codon 904 of the POLD1 protein (p.Ala904Thr). This variant is not present in population databases (gnomAD no frequency). This variant has not been reported in the literature in individuals affected with POLD1-related conditions. ClinVar contains an entry for this variant (Variation ID: 1364051). Invitae Evidence Modeling of protein sequence and biophysical properties (such as structural, functional, and spatial information, amino acid conservation, physicochemical variation, residue mobility, and thermodynamic stability) has been performed for this missense variant. However, the output from this modeling did not meet the statistical confidence thresholds required to predict the impact of this variant on POLD1 protein function. In summary, the available evidence is currently insufficient to determine the role of this variant in disease. Therefore, it has been classified as a Variant of Uncertain Significance.